The following is an entry in ClinVar:

ClinVar aggregate classification (germline): Uncertain significance (1 of 4 stars; one submission).

Allele frequency attached by ClinVar (database versions not stated): gnomAD exomes 0.00001; ExAC 0.00002; gnomAD 0.00002; TOPMed 0.00002.
gnomAD v4.1: 6 of 1,614,082 alleles (0.00037%); highest among the groups gnomAD compares: East Asian, 0.011%; no homozygotes.

Submission:

Ambry Genetics
Classification: Uncertain significance. Last evaluated: 2023-08-21. Review status: criteria provided, single submitter. Criteria: Ambry Variant Classification Scheme 2023. Collection method: clinical testing. Allele origin: germline.
Comment: Does not currently meet published gene-disease clinical validity criteria Based on insufficient or conflicting evidence, the clinical significance of this alteration remains unclear.

Literature cited by the submitters: PubMed 28106320.

NM_013262.4(MYLIP):c.574G>A (p.Val192Met)

Gene: MYLIP (myosin regulatory light chain interacting protein; plus strand). Cytogenetic location: 6p22.3.
Variant type: single nucleotide variant.
Coding change: c.574G>A on transcript NM_013262.4 (MANE Select); coding-DNA position 574, G replaced by A.
Protein change: p.Val192Met; replaces valine 192 with methionine.
Molecular consequence: missense variant.
Genome position (GRCh38, 1-based): chr6:16,143,129, G>A. VCF-style: chr6-16143129-G-A. GRCh37 (hg19) VCF-style: chr6-16143360-G-A.
Other names: short protein forms V192M.
Identifiers: ClinVar variation 2602643 (VCV002602643.2), dbSNP rs759630605, ClinGen allele CA3644516.